The following is an entry in ClinVar:

NM_005477.3(HCN4):c.1168C>T (p.Arg390Cys)

Genes: HCN4 (hyperpolarization activated cyclic nucleotide gated potassium channel 4; minus strand), LOC105370890 (uncharacterized LOC105370890; plus strand), LOC126862173 (CDK7 strongly-dependent group 2 enhancer GRCh37_chr15:73635762-73636961; plus strand). Cytogenetic location: 15q24.1.
Variant type: single nucleotide variant.
Coding change: c.1168C>T on transcript NM_005477.3 (MANE Select); coding-DNA position 1168, C replaced by T.
Protein change: p.Arg390Cys; replaces arginine 390 with cysteine.
Molecular consequence: missense variant.
Genome position (GRCh38, 1-based): chr15:73,343,426, G>A on the plus strand (C>T on the coding strand, the complement: HCN4 is on the minus strand). VCF-style: chr15-73343426-G-A. GRCh37 (hg19) VCF-style: chr15-73635767-G-A.
Other names: short protein forms R390C.
Identifiers: ClinVar variation 660645 (VCV000660645.11), dbSNP rs918783630, ClinGen allele CA272684408.
Genomic context (GRCh38, chr15:73,343,426, plus strand): 5'-GTTTGCACTGACCACTTACCTCTTCCCACTGGTGAATATATCGAATGAGGCGGGAGAGGC[G>A]TAACAGGCGTAAGAGGCTGAGGATCTTCGTGAAGCGGACAATGCGCAGGGCCCGGGCAGT-3'
Protein context (NP_005468.1, residues 380-400): TKILSLLRLL[Arg390Cys]LSRLIRYIHQ

ClinVar aggregate classification (germline): Uncertain significance. Review status: criteria provided, multiple submitters, no conflicts (2 of 4 stars). 3 submissions from 3 submitters: Uncertain significance (3). Last evaluated 2024-08-09.

Conditions:
Cardiovascular phenotype. Identifiers: MedGen CN230736.
Brugada syndrome 8 (BRGDA8). Identifiers: Orphanet 130, MedGen C2751083, MONDO:0013148, OMIM 613123.

gnomAD v4.1: 5 of 1,614,150 alleles (0.00031%); highest among the groups gnomAD compares: Non-Finnish European, 0.00042%; no homozygotes.

Submissions (3):

Blueprint Genetics
Classification: Uncertain significance. Last evaluated: 2024-08-09. Review status: criteria provided, single submitter. Criteria: ACMG Guidelines, 2015. Collection method: clinical testing. Allele origin: germline.

Ambry Genetics
Classification: Uncertain significance for Cardiovascular phenotype. Last evaluated: 2024-01-11. Review status: criteria provided, single submitter. Criteria: Ambry Variant Classification Scheme 2023. Collection method: clinical testing. Allele origin: germline.
Comment: The p.R390C variant (also known as c.1168C>T), located in coding exon 2 of the HCN4 gene, results from a C to T substitution at nucleotide position 1168. The arginine at codon 390 is replaced by cysteine, an amino acid with highly dissimilar properties. This amino acid position is conserved. In addition, this alteration is predicted to be deleterious by in silico analysis. Since supporting evidence is limited at this time, the clinical significance of this alteration remains unclear.

Labcorp Genetics (formerly Invitae), Labcorp
Classification: Uncertain significance for Brugada syndrome 8. Last evaluated: 2023-12-06. Review status: criteria provided, single submitter. Criteria: Invitae Variant Classification Sherloc (09022015). Collection method: clinical testing. Allele origin: germline.
Comment: This sequence change replaces arginine, which is basic and polar, with cysteine, which is neutral and slightly polar, at codon 390 of the HCN4 protein (p.Arg390Cys). This variant is not present in population databases (gnomAD no frequency). This variant has not been reported in the literature in individuals affected with HCN4-related conditions. ClinVar contains an entry for this variant (Variation ID: 660645). Advanced modeling of protein sequence and biophysical properties (such as structural, functional, and spatial information, amino acid conservation, physicochemical variation, residue mobility, and thermodynamic stability) performed at Invitae indicates that this missense variant is expected to disrupt HCN4 protein function with a positive predictive value of 80%. In summary, the available evidence is currently insufficient to determine the role of this variant in disease. Therefore, it has been classified as a Variant of Uncertain Significance.